The following is an entry in ClinVar:

NM_015450.3(POT1):c.1273A>G (p.Thr425Ala)

Gene: POT1 (protection of telomeres 1; minus strand). Cytogenetic location: 7q31.33.
Variant type: single nucleotide variant.
Coding change: c.1273A>G on transcript NM_015450.3 (MANE Select); coding-DNA position 1273, A replaced by G.
Protein change: p.Thr425Ala; replaces threonine 425 with alanine.
Molecular consequence: missense variant. On other transcripts: non-coding transcript variant (3).
Genome position (GRCh38, 1-based): chr7:124,841,069, T>C on the plus strand (A>G on the coding strand, the complement: POT1 is on the minus strand). VCF-style: chr7-124841069-T-C. GRCh37 (hg19) VCF-style: chr7-124481123-T-C.
Other names: c.880A>G, p.Thr294Ala (NM_001042594.2); short protein forms T294A, T425A.
Identifiers: ClinVar variation 818768 (VCV000818768.10), dbSNP rs1173735920, ClinGen allele CA369067197.
Genomic context (GRCh38, chr7:124,841,069, plus strand): 5'-GAATACCATTATTTTTCACAAAATGAACTGCTACTTTTCGTCCTTTTTGATTTTTAGTGG[T>C]CCAGATTTTTGAATCATATAATGATGTATTTTGTAGCTTGACATCTGGGGTTTTAGTTGC-3'
Protein context (NP_056265.2, residues 415-435): NTSLYDSKIW[Thr425Ala]TKNQKGRKVA

ClinVar aggregate classification (germline): Uncertain significance. Review status: criteria provided, multiple submitters, no conflicts (2 of 4 stars). 2 submissions from 2 submitters: Uncertain significance (2). Last evaluated 2024-11-10.

Conditions:
Tumor predisposition syndrome 3 (TPDS3). Also called: Glioma susceptibility 9; LONG TELOMERE SYNDROME, POT1-RELATED; POT1 Tumor Predisposition; Melanoma, cutaneous malignant, susceptibility to, 10. Identifiers: Orphanet 618, MedGen C4014476, MONDO:0014368, OMIM 615848.
Hereditary cancer-predisposing syndrome. Also called: Tumor predisposition; Hereditary Cancer Syndrome; Hereditary neoplastic syndrome; Neoplastic Syndromes, Hereditary. Identifiers: Orphanet 140162, MedGen C0027672, MeSH D009386, MONDO:0015356.

Allele frequency attached by ClinVar (database versions not stated): gnomAD exomes below 0.00001.
gnomAD v4.1: 6 of 1,612,690 alleles (0.00037%); highest among the groups gnomAD compares: Non-Finnish European, 0.00051%; no homozygotes.

Submissions (2):

Labcorp Genetics (formerly Invitae), Labcorp
Classification: Uncertain significance for Tumor predisposition syndrome 3. Last evaluated: 2024-11-10. Review status: criteria provided, single submitter. Criteria: Invitae Variant Classification Sherloc (09022015). Collection method: clinical testing. Allele origin: germline.
Comment: This sequence change replaces threonine, which is neutral and polar, with alanine, which is neutral and non-polar, at codon 425 of the POT1 protein (p.Thr425Ala). This variant is present in population databases (no rsID available, gnomAD 0.0009%). This variant has not been reported in the literature in individuals affected with POT1-related conditions. ClinVar contains an entry for this variant (Variation ID: 818768). Invitae Evidence Modeling of protein sequence and biophysical properties (such as structural, functional, and spatial information, amino acid conservation, physicochemical variation, residue mobility, and thermodynamic stability) indicates that this missense variant is not expected to disrupt POT1 protein function with a negative predictive value of 80%. In summary, the available evidence is currently insufficient to determine the role of this variant in disease. Therefore, it has been classified as a Variant of Uncertain Significance.

Ambry Genetics
Classification: Uncertain significance for Hereditary cancer-predisposing syndrome. Last evaluated: 2024-05-06. Review status: criteria provided, single submitter. Criteria: Ambry Variant Classification Scheme 2023. Collection method: clinical testing. Allele origin: germline.
Comment: The p.T425A variant (also known as c.1273A>G), located in coding exon 10 of the POT1 gene, results from an A to G substitution at nucleotide position 1273. The threonine at codon 425 is replaced by alanine, an amino acid with similar properties. This amino acid position is not well conserved in available vertebrate species. In addition, this alteration is predicted to be tolerated by in silico analysis. Since supporting evidence is limited at this time, the clinical significance of this alteration remains unclear.